The following is an entry in ClinVar:

ClinVar aggregate classification (germline): Uncertain significance. Review status: criteria provided, multiple submitters, no conflicts (2 of 4 stars). 3 submissions from 3 submitters: Uncertain significance (2). 1 of the submissions does not count toward it. Last evaluated 2024-06-05.

Conditions:
Neuromuscular disease caused by qualitative or quantitative defects of dysferlin. Also called: Dysferlinopathy; Qualitative or quantitative defects of dysferlin. Identifiers: Orphanet 207073, MedGen C2931687, MONDO:0016145.
Autosomal recessive limb-girdle muscular dystrophy type 2B (LGMDR2). Also called: Limb-Girdle Muscular Dystrophy Type 2B (LGMD2B); MUSCULAR DYSTROPHY, LIMB-GIRDLE, TYPE 3; Limb-girdle muscular dystrophy, type 2B; MUSCULAR DYSTROPHY, LIMB-GIRDLE, AUTOSOMAL RECESSIVE 2. Identifiers: Orphanet 268, MedGen C1850889, MONDO:0009676, OMIM 253601.

Allele frequency attached by ClinVar (database versions not stated): ExAC 0.00001.
gnomAD v4.1: 5 of 1,613,998 alleles (0.00031%); highest among the groups gnomAD compares: Admixed American, 0.0083%; no homozygotes.

Submissions (3):

Revvity Omics, Revvity
Classification: Uncertain significance. Last evaluated: 2024-06-05. Review status: criteria provided, single submitter. Criteria: ACMG Guidelines, 2015. Collection method: clinical testing. Allele origin: germline.

Labcorp Genetics (formerly Invitae), Labcorp
Classification: Uncertain significance for Neuromuscular disease caused by qualitative or quantitative defects of dysferlin. Last evaluated: 2022-02-04. Review status: criteria provided, single submitter. Criteria: Invitae Variant Classification Sherloc (09022015). Collection method: clinical testing. Allele origin: germline.
Comment: This sequence change replaces tyrosine, which is neutral and polar, with phenylalanine, which is neutral and non-polar, at codon 1397 of the DYSF protein (p.Tyr1397Phe). This variant is present in population databases (rs775254512, gnomAD 0.01%). This variant has not been reported in the literature in individuals affected with DYSF-related conditions. ClinVar contains an entry for this variant (Variation ID: 835747). Advanced modeling of protein sequence and biophysical properties (such as structural, functional, and spatial information, amino acid conservation, physicochemical variation, residue mobility, and thermodynamic stability) performed at Invitae indicates that this missense variant is expected to disrupt DYSF protein function. In summary, the available evidence is currently insufficient to determine the role of this variant in disease. Therefore, it has been classified as a Variant of Uncertain Significance.

Natera, Inc.
Classification: Uncertain significance for Limb-girdle muscular dystrophy type 2B. Last evaluated: 2020-09-16. Review status: no assertion criteria provided. Collection method: clinical testing. Allele origin: germline. Not counted in ClinVar's aggregate classification.

NM_001130987.2(DYSF):c.4244A>T (p.Tyr1415Phe)

Gene: DYSF (dysferlin; plus strand). Cytogenetic location: 2p13.2.
Variant type: single nucleotide variant.
Coding change: c.4244A>T on transcript NM_001130987.2 (MANE Select); coding-DNA position 4244, A replaced by T.
Protein change: p.Tyr1415Phe; replaces tyrosine 1415 with phenylalanine.
Molecular consequence: missense variant.
Genome position (GRCh38, 1-based): chr2:71,612,663, A>T. VCF-style: chr2-71612663-A-T. GRCh37 (hg19) VCF-style: chr2-71839793-A-T.
Other names: c.4193A>T, p.Tyr1398Phe (NM_001130455.2, NM_001130983.2); c.4148A>T, p.Tyr1383Phe (NM_001130976.2, NM_001130977.2); c.4190A>T, p.Tyr1397Phe (NM_001130978.2, NM_003494.4); c.4283A>T, p.Tyr1428Phe (NM_001130979.2); c.4241A>T, p.Tyr1414Phe (NM_001130980.2, NM_001130981.2); c.4286A>T, p.Tyr1429Phe (NM_001130982.2); c.4151A>T, p.Tyr1384Phe (NM_001130984.2, NM_001130986.2); c.4244A>T, p.Tyr1415Phe (NM_001130985.2); short protein forms Y1398F, Y1414F, Y1384F, Y1397F, Y1415F, Y1428F, Y1429F, Y1383F.
Identifiers: ClinVar variation 835747 (VCV000835747.8), dbSNP rs775254512, ClinGen allele CA1706937.